The following is an entry in ClinVar:

NM_000260.4(MYO7A):c.6326C>G (p.Thr2109Ser)

Gene: MYO7A (myosin VIIA; plus strand). Cytogenetic location: 11q13.5.
Variant type: single nucleotide variant.
Coding change: c.6326C>G on transcript NM_000260.4 (MANE Select); coding-DNA position 6326, C replaced by G.
Protein change: p.Thr2109Ser; replaces threonine 2109 with serine.
Molecular consequence: missense variant.
Genome position (GRCh38, 1-based): chr11:77,211,909, C>G. VCF-style: chr11-77211909-C-G. GRCh37 (hg19) VCF-style: chr11-76922954-C-G.
Other names: c.6212C>G, p.Thr2071Ser (NM_001127180.2); c.6179C>G, p.Thr2060Ser (NM_001369365.1); short protein forms T2060S, T2071S, T2109S.
Identifiers: ClinVar variation 1422811 (VCV001422811.4), dbSNP rs377670513, ClinGen allele CA381936625.
Genomic context (GRCh38, chr11:77,211,909, plus strand): 5'-CAGGGAAGTCCAAGGAGGAGGCCAAGCTGGCCTTCCTGAAGCTCATCTTCAAGTGGCCCA[C>G]CTTTGGCTCAGCCTTCTTCGAGGTGAAGGTACACCATGGGCTTCTCAGAGCAGAGGAGGA-3'
Protein context (NP_000251.3, residues 2099-2119): AFLKLIFKWP[Thr2109Ser]FGSAFFEVKQ

ClinVar aggregate classification (germline): Uncertain significance. Review status: criteria provided, multiple submitters, no conflicts (2 of 4 stars). 2 submissions from 2 submitters: Uncertain significance (2). Last evaluated 2024-05-17.

gnomAD v4.1: 3 of 1,613,948 alleles (0.00019%); highest among the groups gnomAD compares: Non-Finnish European, 0.00025%; no homozygotes.

Submissions (2):

Women's Health and Genetics/Laboratory Corporation of America, LabCorp
Classification: Uncertain significance. Last evaluated: 2024-05-17. Review status: criteria provided, single submitter. Criteria: LabCorp Variant Classification Summary - May 2015. Collection method: clinical testing. Allele origin: germline.

Labcorp Genetics (formerly Invitae), Labcorp
Classification: Uncertain significance. Last evaluated: 2021-12-11. Review status: criteria provided, single submitter. Criteria: Invitae Variant Classification Sherloc (09022015). Collection method: clinical testing. Allele origin: germline.
Comment: This sequence change replaces threonine, which is neutral and polar, with serine, which is neutral and polar, at codon 2109 of the MYO7A protein (p.Thr2109Ser). This variant is present in population databases (no rsID available, gnomAD 0.0009%). This variant has not been reported in the literature in individuals affected with MYO7A-related conditions. Advanced modeling of protein sequence and biophysical properties (such as structural, functional, and spatial information, amino acid conservation, physicochemical variation, residue mobility, and thermodynamic stability) performed at Invitae indicates that this missense variant is not expected to disrupt MYO7A protein function. In summary, the available evidence is currently insufficient to determine the role of this variant in disease. Therefore, it has been classified as a Variant of Uncertain Significance.